The following is an entry in ClinVar:

NM_001042472.3(ABHD12):c.772C>T (p.Arg258Cys)

Gene: ABHD12 (abhydrolase domain containing 12, lysophospholipase; minus strand). Cytogenetic location: 20p11.21.
Variant type: single nucleotide variant.
Coding change: c.772C>T on transcript NM_001042472.3 (MANE Select); coding-DNA position 772, C replaced by T.
Protein change: p.Arg258Cys; replaces arginine 258 with cysteine.
Molecular consequence: missense variant.
Genome position (GRCh38, 1-based): chr20:25,308,472, G>A on the plus strand (C>T on the coding strand, the complement: ABHD12 is on the minus strand). VCF-style: chr20-25308472-G-A. GRCh37 (hg19) VCF-style: chr20-25289108-G-A.
Other names: c.772C>T (NM_001042472.2); c.772C>T, p.Arg258Cys (NM_015600.5); short protein forms R258C.
Identifiers: ClinVar variation 1501602 (VCV001501602.9), dbSNP rs369296595, ClinGen allele CA9796006.

ClinVar aggregate classification (germline): Uncertain significance. Review status: criteria provided, multiple submitters, no conflicts (2 of 4 stars). 2 submissions from 2 submitters: Uncertain significance (2). Last evaluated 2025-02-24.

Conditions:
Inborn genetic diseases. Identifiers: MedGen C0950123, MeSH D030342.

Allele frequency attached by ClinVar (database versions not stated): gnomAD exomes 0.00001 and 0.00002; ExAC 0.00002; gnomAD 0.00002; TOPMed 0.00003; ESP Exome Variant Server 0.00008.
gnomAD v4.1: 22 of 1,611,696 alleles (0.0014%); highest among the groups gnomAD compares: African/African-American, 0.0027%; no homozygotes.

Submissions (2):

Ambry Genetics
Classification: Uncertain significance for Inborn genetic diseases. Last evaluated: 2025-02-24. Review status: criteria provided, single submitter. Criteria: Ambry Variant Classification Scheme 2023. Collection method: clinical testing. Allele origin: germline.

Labcorp Genetics (formerly Invitae), Labcorp
Classification: Uncertain significance. Last evaluated: 2022-08-23. Review status: criteria provided, single submitter. Criteria: Invitae Variant Classification Sherloc (09022015). Collection method: clinical testing. Allele origin: germline.
Comment: The frequency data for this variant in the population databases is considered unreliable, as metrics indicate poor data quality at this position in the gnomAD database. In summary, the available evidence is currently insufficient to determine the role of this variant in disease. Therefore, it has been classified as a Variant of Uncertain Significance. Algorithms developed to predict the effect of sequence changes on RNA splicing suggest that this variant may create or strengthen a splice site. Algorithms developed to predict the effect of missense changes on protein structure and function are either unavailable or do not agree on the potential impact of this missense change (SIFT: "Deleterious"; PolyPhen-2: "Probably Damaging"; Align-GVGD: "Class C15"). ClinVar contains an entry for this variant (Variation ID: 1501602). This variant has not been reported in the literature in individuals affected with ABHD12-related conditions. This sequence change replaces arginine, which is basic and polar, with cysteine, which is neutral and slightly polar, at codon 258 of the ABHD12 protein (p.Arg258Cys).